The following is an entry in ClinVar:

ClinVar aggregate classification (germline): Benign/Likely benign. Review status: criteria provided, multiple submitters, no conflicts (2 of 4 stars). 3 submissions from 3 submitters: Benign (1); Likely benign (1). 1 of the submissions does not count toward it. Last evaluated 2025-09-21.

Conditions:
KMT2D-related disorder. Also called: KMT2D-Related Disorders.
Kabuki syndrome. Also called: Kabuki make-up syndrome; NIIKAWA-KUROKI SYNDROME. Identifiers: Orphanet 2322, MedGen C0796004, MONDO:0016512.

Allele frequency attached by ClinVar (database versions not stated): gnomAD exomes below 0.00001; ExAC 0.00003; gnomAD 0.00006; TOPMed 0.00008; ESP Exome Variant Server 0.00016.
gnomAD v4.1: 11 of 1,613,866 alleles (0.00068%); highest among the groups gnomAD compares: African/African-American, 0.015%; no homozygotes.

Submissions (3):

Labcorp Genetics (formerly Invitae), Labcorp
Classification: Benign for Kabuki syndrome. Last evaluated: 2025-09-21. Review status: criteria provided, single submitter. Criteria: Invitae Variant Classification Sherloc (09022015). Collection method: clinical testing. Allele origin: germline.

Blueprint Genetics
Classification: Likely benign. Last evaluated: 2020-11-12. Review status: criteria provided, single submitter. Criteria: ACMG Guidelines, 2015. Collection method: clinical testing. Allele origin: germline.

PreventionGenetics, part of Exact Sciences
Classification: Likely benign for KMT2D-related condition. Last evaluated: 2021-06-17. Review status: no assertion criteria provided. Collection method: clinical testing. Allele origin: germline. Not counted in ClinVar's aggregate classification.
Comment: This variant is classified as likely benign based on ACMG/AMP sequence variant interpretation guidelines (Richards et al. 2015 PMID: 25741868, with internal and published modifications).

NM_003482.4(KMT2D):c.16212C>T (p.Ser5404=)

Gene: KMT2D (lysine methyltransferase 2D; minus strand). Cytogenetic location: 12q13.12.
Variant type: single nucleotide variant.
Coding change: c.16212C>T on transcript NM_003482.4 (MANE Select); coding-DNA position 16212, C replaced by T.
Protein change: p.Ser5404=; no amino-acid change (serine 5404 retained).
Molecular consequence: synonymous variant.
Genome position (GRCh38, 1-based): chr12:49,022,716, G>A on the plus strand (C>T on the coding strand, the complement: KMT2D is on the minus strand). VCF-style: chr12-49022716-G-A. GRCh37 (hg19) VCF-style: chr12-49416499-G-A.
Identifiers: ClinVar variation 2045946 (VCV002045946.7), dbSNP rs367672007, ClinGen allele CA6545412.